The following is an entry in ClinVar:

ClinVar aggregate classification (germline): Benign. Review status: criteria provided, multiple submitters, no conflicts (2 of 4 stars). 2 submissions from 2 submitters: Benign (2). Last evaluated 2026-01-20.

Allele frequency attached by ClinVar (database versions not stated): ExAC 0.00032; gnomAD 0.00056; TOPMed 0.00063; ESP Exome Variant Server 0.00069; 1000 Genomes Project 0.00100; 1000 Genomes Project 30x 0.00109.
gnomAD v4.1: 200 of 863,138 alleles (0.023%); highest among the groups gnomAD compares: African/African-American, 0.24%; no homozygotes.

Submissions (2):

Women's Health and Genetics/Laboratory Corporation of America, LabCorp
Classification: Benign. Last evaluated: 2026-01-20. Review status: criteria provided, single submitter. Criteria: LabCorp Variant Classification Summary - May 2015. Collection method: clinical testing. Allele origin: germline.
Comment: Variant summary: AEBP1 c.1150+12G>A alters a non-conserved nucleotide located at a position not widely known to affect splicing. Consensus agreement among computation tools predict no significant impact on normal splicing. However, these predictions have yet to be confirmed by functional studies. The variant allele was found at a frequency of 0.00023 in 203984 control chromosomes, predominantly at a frequency of 0.0023 within the African or African-American subpopulation in the gnomAD database. The observed variant frequency within African or African-American control individuals in the gnomAD database exceeds the estimated maximal expected allele frequency for disease-causing variants in AEBP1. To our knowledge, no occurrence of c.1150+12G>A in individuals affected with AEBP1-related conditions and no experimental evidence demonstrating its impact on protein function have been reported. ClinVar contains an entry for this variant (Variation ID: 1904562). Based on the evidence outlined above, the variant was classified as benign.

Labcorp Genetics (formerly Invitae), Labcorp
Classification: Benign. Last evaluated: 2026-01-06. Review status: criteria provided, single submitter. Criteria: Invitae Variant Classification Sherloc (09022015). Collection method: clinical testing. Allele origin: germline.

NM_001129.5(AEBP1):c.1150+12G>A

Gene: AEBP1 (AE binding protein 1; plus strand). Cytogenetic location: 7p13.
Variant type: single nucleotide variant.
Coding change: c.1150+12G>A on transcript NM_001129.5 (MANE Select); 12 bases into the intron after coding-DNA position 1150, G replaced by A.
Molecular consequence: intron variant.
Genome position (GRCh38, 1-based): chr7:44,109,353, G>A. VCF-style: chr7-44109353-G-A. GRCh37 (hg19) VCF-style: chr7-44148952-G-A.
Identifiers: ClinVar variation 1904562 (VCV001904562.6), dbSNP rs200315709, ClinGen allele CA4237773.
Genomic context (GRCh38, chr7:44,109,353, plus strand): 5'-CGAAAGGGCGAGGAGTTGGAGGAGGAGTGGACGCCTACGGAGAAAGTCAGTAAGTGGGGG[G>A]CACAAGGGGGTGAGGGTGGGGGCCACAGGATGGGGGTGCTGGGACAAGTGACTGGCCCAA-3'